The following is an entry in ClinVar:

ClinVar aggregate classification (germline): Benign (0 of 4 stars; one submission).

Conditions:
ABCC1-related disorder. Also called: ABCC1-related condition.

Allele frequency attached by ClinVar (database versions not stated): gnomAD exomes 0.00012; ExAC 0.00041; 1000 Genomes Project 0.00100; 1000 Genomes Project 30x 0.00109; ESP Exome Variant Server 0.00132; gnomAD 0.00148; TOPMed 0.00168.

Submission:

PreventionGenetics, part of Exact Sciences
Classification: Benign for ABCC1-related condition. Last evaluated: 2020-09-16. Review status: no assertion criteria provided. Collection method: clinical testing. Allele origin: germline.
Comment: This variant is classified as benign based on ACMG/AMP sequence variant interpretation guidelines (Richards et al. 2015 PMID: 25741868, with internal and published modifications).

NM_004996.4(ABCC1):c.185G>A (p.Arg62Gln)

Gene: ABCC1 (ATP binding cassette subfamily C member 1 (ABCC1 blood group); plus strand). Cytogenetic location: 16p13.11.
Variant type: single nucleotide variant.
Coding change: c.185G>A on transcript NM_004996.4 (MANE Select); coding-DNA position 185, G replaced by A.
Protein change: p.Arg62Gln; replaces arginine 62 with glutamine.
Molecular consequence: missense variant.
Genome position (GRCh38, 1-based): chr16:16,007,952, G>A. VCF-style: chr16-16007952-G-A. GRCh37 (hg19) VCF-style: chr16-16101809-G-A.
Other names: c.185G>A, p.Arg62Gln (NM_019862.3); short protein forms R62Q.
Identifiers: ClinVar variation 3049946 (VCV003049946.2), dbSNP rs187769078, ClinGen allele CA7923417.